The following is an entry in ClinVar:

ClinVar aggregate classification (germline): Uncertain significance. Review status: criteria provided, multiple submitters, no conflicts (2 of 4 stars). 2 submissions from 2 submitters: Uncertain significance (2). Last evaluated 2025-08-12.

Conditions:
Nephronophthisis 14 (NPHP14). Identifiers: Orphanet 2318, MedGen C3539071, MONDO:0013916, OMIM 614844.

Allele frequency attached by ClinVar (database versions not stated): ExAC 0.00002; gnomAD 0.00002; gnomAD exomes 0.00002; TOPMed 0.00002; 1000 Genomes Project 0.00020; 1000 Genomes Project 30x 0.00031.
gnomAD v4.1: 28 of 1,614,054 alleles (0.0017%); highest among the groups gnomAD compares: Middle Eastern, 0.017%; no homozygotes.

Submissions (2):

Ambry Genetics
Classification: Uncertain significance. Last evaluated: 2025-08-12. Review status: criteria provided, single submitter. Criteria: Ambry Variant Classification Scheme 2023. Collection method: clinical testing. Allele origin: germline.

Labcorp Genetics (formerly Invitae), Labcorp
Classification: Uncertain significance for Nephronophthisis 14. Last evaluated: 2023-08-24. Review status: criteria provided, single submitter. Criteria: Invitae Variant Classification Sherloc (09022015). Collection method: clinical testing. Allele origin: germline.
Comment: This sequence change replaces alanine, which is neutral and non-polar, with threonine, which is neutral and polar, at codon 376 of the ZNF423 protein (p.Ala376Thr). This variant is present in population databases (rs562976839, gnomAD 0.02%). This variant has not been reported in the literature in individuals affected with ZNF423-related conditions. ClinVar contains an entry for this variant (Variation ID: 2055938). Advanced modeling of protein sequence and biophysical properties (such as structural, functional, and spatial information, amino acid conservation, physicochemical variation, residue mobility, and thermodynamic stability) performed at Invitae indicates that this missense variant is not expected to disrupt ZNF423 protein function. In summary, the available evidence is currently insufficient to determine the role of this variant in disease. Therefore, it has been classified as a Variant of Uncertain Significance.

NM_001379286.1(ZNF423):c.1150G>A (p.Ala384Thr)

Gene: ZNF423 (zinc finger protein 423; minus strand). Cytogenetic location: 16q12.1.
Variant type: single nucleotide variant.
Coding change: c.1150G>A on transcript NM_001379286.1 (MANE Select); coding-DNA position 1150, G replaced by A.
Protein change: p.Ala384Thr; replaces alanine 384 with threonine.
Molecular consequence: missense variant.
Genome position (GRCh38, 1-based): chr16:49,638,026, C>T on the plus strand (G>A on the coding strand, the complement: ZNF423 is on the minus strand). VCF-style: chr16-49638026-C-T. GRCh37 (hg19) VCF-style: chr16-49671937-C-T.
Other names: c.1126G>A (NM_015069.2); c.946G>A, p.Ala316Thr (NM_001271620.2); c.775G>A, p.Ala259Thr (NM_001330533.2); c.1126G>A, p.Ala376Thr (NM_015069.5); short protein forms A259T, A316T, A376T, A384T.
Identifiers: ClinVar variation 2055938 (VCV002055938.5), dbSNP rs562976839, ClinGen allele CA8046748.
Genomic context (GRCh38, chr16:49,638,026, plus strand): 5'-TCTTCTGCCCCCGCAGCGGCTTCAAGGTGGAGTCCGGGGTGGAGCCACGCTCCACAGAGG[C>T]GCTGGAGTCGGGTGTGGCGCTGCTCATGGAGGCCACGCTGCCCAGTACAGGGTCGGGACT-3'
Protein context (NP_001366215.1, residues 374-394): SMSSATPDSS[Ala384Thr]SVERGSTPDS